The following is an entry in ClinVar:

NM_015450.3(POT1):c.299G>C (p.Gly100Ala)

Gene: POT1 (protection of telomeres 1; minus strand). Cytogenetic location: 7q31.33.
Variant type: single nucleotide variant.
Coding change: c.299G>C on transcript NM_015450.3 (MANE Select); coding-DNA position 299, G replaced by C.
Protein change: p.Gly100Ala; replaces glycine 100 with alanine.
Molecular consequence: missense variant. On other transcripts: 5 prime UTR variant (1), non-coding transcript variant (3).
Genome position (GRCh38, 1-based): chr7:124,863,597, C>G on the plus strand (G>C on the coding strand, the complement: POT1 is on the minus strand). VCF-style: chr7-124863597-C-G. GRCh37 (hg19) VCF-style: chr7-124503651-C-G.
Other names: c.-95G>C (NM_001042594.2); short protein forms G100A.
Identifiers: ClinVar variation 2845995 (VCV002845995.3), dbSNP rs2485481343, ClinGen allele CA369060318.

ClinVar aggregate classification (germline): Uncertain significance (1 of 4 stars; one submission).

Conditions:
Tumor predisposition syndrome 3 (TPDS3). Also called: LONG TELOMERE SYNDROME, POT1-RELATED; POT1 Tumor Predisposition; Melanoma, cutaneous malignant, susceptibility to, 10; Glioma susceptibility 9. Identifiers: Orphanet 618, MedGen C4014476, MONDO:0014368, OMIM 615848.

Submission:

Labcorp Genetics (formerly Invitae), Labcorp
Classification: Uncertain significance for Tumor predisposition syndrome 3. Last evaluated: 2023-03-15. Review status: criteria provided, single submitter. Criteria: Invitae Variant Classification Sherloc (09022015). Collection method: clinical testing. Allele origin: germline.
Comment: Advanced modeling of protein sequence and biophysical properties (such as structural, functional, and spatial information, amino acid conservation, physicochemical variation, residue mobility, and thermodynamic stability) performed at Invitae indicates that this missense variant is not expected to disrupt POT1 protein function. This variant has not been reported in the literature in individuals affected with POT1-related conditions. This variant is not present in population databases (gnomAD no frequency). This sequence change replaces glycine, which is neutral and non-polar, with alanine, which is neutral and non-polar, at codon 100 of the POT1 protein (p.Gly100Ala). In summary, the available evidence is currently insufficient to determine the role of this variant in disease. Therefore, it has been classified as a Variant of Uncertain Significance.